The following is an entry in ClinVar:

ClinVar aggregate classification (germline): Pathogenic/Likely pathogenic. Review status: criteria provided, multiple submitters, no conflicts (2 of 4 stars). 3 submissions from 3 submitters: Pathogenic (1); Likely pathogenic (2). Last evaluated 2024-01-11.

Conditions:
Biotin-responsive basal ganglia disease (BTBGD). Also called: THIAMINE METABOLISM DYSFUNCTION SYNDROME 2 (BIOTIN- AND THIAMINE-RESPONSIVE TYPE); Thiamine metabolism dysfunction syndrome type 2; Thiamine Transporter-2 Deficiency; Thiamine metabolism dysfunction syndrome 2 (biotin- or thiamine-responsive encephalopathy type 2); thiamine-responsive encephalopathy. Identifiers: Orphanet 199348, Orphanet 65284, MedGen C1843807, MONDO:0011841, OMIM 607483.

Allele frequency attached by ClinVar (database versions not stated): gnomAD exomes below 0.00001.
gnomAD v4.1: 1 of 1,614,182 alleles (0.000062%); highest among the groups gnomAD compares: Non-Finnish European, 0.000085%; no homozygotes.

Submissions (3):

Fulgent Genetics
Classification: Likely pathogenic for Biotin-responsive basal ganglia disease. Last evaluated: 2024-01-11. Review status: criteria provided, single submitter. Criteria: ACMG Guidelines, 2015. Collection method: clinical testing. Allele origin: germline.

Labcorp Genetics (formerly Invitae), Labcorp
Classification: Likely pathogenic for Biotin-responsive basal ganglia disease. Last evaluated: 2023-12-11. Review status: criteria provided, single submitter. Criteria: Invitae Variant Classification Sherloc (09022015). Collection method: clinical testing. Allele origin: germline.
Comment: This sequence change replaces tryptophan, which is neutral and slightly polar, with arginine, which is basic and polar, at codon 94 of the SLC19A3 protein (p.Trp94Arg). This variant is not present in population databases (gnomAD no frequency). This missense change has been observed in individual(s) with biotin-thiamine-responsive basal ganglia disease (PMID: 24372704). In at least one individual the data is consistent with being in trans (on the opposite chromosome) from a pathogenic variant. It has also been observed to segregate with disease in related individuals. ClinVar contains an entry for this variant (Variation ID: 872655). Advanced modeling of protein sequence and biophysical properties (such as structural, functional, and spatial information, amino acid conservation, physicochemical variation, residue mobility, and thermodynamic stability) has been performed at Invitae for this missense variant, however the output from this modeling did not meet the statistical confidence thresholds required to predict the impact of this variant on SLC19A3 protein function. Experimental studies have shown that this missense change affects SLC19A3 function (PMID: 24372704). In summary, the currently available evidence indicates that the variant is pathogenic, but additional data are needed to prove that conclusively. Therefore, this variant has been classified as Likely Pathogenic.

CeGaT Center for Human Genetics Tuebingen
Classification: Pathogenic. Last evaluated: 2018-10-01. Review status: criteria provided, single submitter. Criteria: CeGaT Center For Human Genetics Tuebingen Variant Classification Criteria Version 2. Collection method: clinical testing. Allele origin: germline. Affected: yes. Observed: 2 variant alleles.

Literature cited by the submitters: PubMed 24372704 (cited by Labcorp Genetics (formerly Invitae), Labcorp).

NM_025243.4(SLC19A3):c.280T>C (p.Trp94Arg)

Gene: SLC19A3 (solute carrier family 19 member 3; minus strand). Cytogenetic location: 2q36.3.
Variant type: single nucleotide variant.
Coding change: c.280T>C on transcript NM_025243.4 (MANE Select); coding-DNA position 280, T replaced by C.
Protein change: p.Trp94Arg; replaces tryptophan 94 with arginine.
Molecular consequence: missense variant.
Genome position (GRCh38, 1-based): chr2:227,699,435, A>G on the plus strand (T>C on the coding strand, the complement: SLC19A3 is on the minus strand). VCF-style: chr2-227699435-A-G. GRCh37 (hg19) VCF-style: chr2-228564151-A-G.
Other names: c.280T>C, p.Trp94Arg (NM_001371411.1, NM_001371412.1); c.268T>C, p.Trp90Arg (NM_001371413.1, NM_001371414.1); short protein forms W94R, W90R.
Identifiers: ClinVar variation 872655 (VCV000872655.48), dbSNP rs1695586409, ClinGen allele CA350877554.